The following is an entry in ClinVar:

ClinVar aggregate classification (germline): Uncertain significance (1 of 4 stars; one submission).

Conditions:
Ehlers-Danlos syndrome, type 4 (EDSVASC). Also called: Ehlers-Danlos syndrome vascular type; Ehlers Danlos syndrome, ecchymotic type; Ehlers Danlos syndrome, arterial type; Ehlers Danlos syndrome, Sack-Barabas type; Ehlers-Danlos Syndrome Type IV. Identifiers: Orphanet 286, MedGen C0268338, MONDO:0017314, OMIM 130050.
Polymicrogyria with or without vascular-type Ehlers-Danlos syndrome. Identifiers: Orphanet 636941, MedGen C5193040, MONDO:0032688, OMIM 618343.

Submission:

Juno Genomics, Hangzhou Juno Genomics, Inc
Classification: Uncertain significance for Ehlers-Danlos syndrome, type 4; Polymicrogyria with or without vascular-type Ehlers-Danlos syndrome. Review status: criteria provided, single submitter. Criteria: ACMG Guidelines, 2015. Collection method: clinical testing. Allele origin: germline.
Comment: Absent from controls (or at extremely low frequency if recessive) in Genome Aggregation Database.;Null variant in a gene where loss of function (LOF) is a known mechanism of disease.

NM_000090.4(COL3A1):c.636+2T>G

Gene: COL3A1 (collagen type III alpha 1 chain; plus strand). Cytogenetic location: 2q32.2.
Variant type: single nucleotide variant.
Coding change: c.636+2T>G on transcript NM_000090.4 (MANE Select); the canonical splice donor site of the intron after coding-DNA position 636, T replaced by G.
Molecular consequence: splice donor variant.
Genome position (GRCh38, 1-based): chr2:188,988,645, T>G. VCF-style: chr2-188988645-T-G. GRCh37 (hg19) VCF-style: chr2-189853371-T-G.
Identifiers: ClinVar variation 5019558 (VCV005019558.2).